The following is an entry in ClinVar:

NM_015662.3(IFT172):c.1525-6C>G

Gene: IFT172 (intraflagellar transport 172; minus strand). Cytogenetic location: 2p23.3.
Variant type: single nucleotide variant.
Coding change: c.1525-6C>G on transcript NM_015662.3 (MANE Select); 6 bases into the intron before coding-DNA position 1525, C replaced by G.
Molecular consequence: intron variant.
Genome position (GRCh38, 1-based): chr2:27,471,101, G>C on the plus strand (C>G on the coding strand, the complement: IFT172 is on the minus strand). VCF-style: chr2-27471101-G-C. GRCh37 (hg19) VCF-style: chr2-27693968-G-C.
Identifiers: ClinVar variation 388531 (VCV000388531.21), dbSNP rs201231401, ClinGen allele CA1580594.

ClinVar aggregate classification (germline): Conflicting classifications of pathogenicity. Review status: criteria provided, conflicting classifications (1 of 4 stars). 6 submissions from 6 submitters: Uncertain significance (1); Likely benign (3). 2 of the submissions do not count toward it. Last evaluated 2026-01-14.

Conditions:
Bardet-Biedl syndrome 20. Identifiers: MedGen C4310707, MONDO:0023670, OMIM 619471, MONDO:0014926.
Short-rib thoracic dysplasia 10 with or without polydactyly (SRTD10). Identifiers: Orphanet 474, MedGen C3810175, MONDO:0014284, OMIM 615630.
Retinitis pigmentosa 71 (RP71). Identifiers: Orphanet 791, MedGen C4225342, MONDO:0014618, OMIM 616394.

Allele frequency attached by ClinVar (database versions not stated): TOPMed 0.00049; ESP Exome Variant Server 0.00062.
gnomAD v4.1: 1,241 of 1,603,566 alleles (0.077%); highest among the groups gnomAD compares: Non-Finnish European, 0.096%; 1 homozygote.

Submissions (11):

Labcorp Genetics (formerly Invitae), Labcorp
Classification: Likely benign for Retinitis pigmentosa 71; Short-rib thoracic dysplasia 10 with or without polydactyly. Last evaluated: 2026-01-14. Review status: criteria provided, single submitter. Criteria: Invitae Variant Classification Sherloc (09022015). Collection method: clinical testing. Allele origin: germline.

GeneDx
Classification: Uncertain significance. Last evaluated: 2025-09-08. Review status: criteria provided, single submitter. Criteria: GeneDx Variant Classification Process June 2021. Collection method: clinical testing. Allele origin: germline. Affected: yes.
Comment: Has not been previously published as pathogenic or benign to our knowledge; In silico analysis is inconclusive as to whether the variant alters gene splicing. In the absence of RNA/functional studies, the actual effect of this sequence change is unknown

Blueprint Genetics
Classification: Likely benign. Last evaluated: 2024-10-25. Review status: criteria provided, single submitter. Criteria: ACMG Guidelines, 2015. Collection method: clinical testing. Allele origin: germline.

Fulgent Genetics
Classification: Likely benign for Short-rib thoracic dysplasia 10 with or without polydactyly; Retinitis pigmentosa 71; Bardet-Biedl syndrome 20. Last evaluated: 2021-12-16. Review status: criteria provided, single submitter. Criteria: ACMG Guidelines, 2015. Collection method: clinical testing. Allele origin: unknown.

Clinical Genetics DNA and cytogenetics Diagnostics Lab, Erasmus MC, Erasmus Medical Center
Classification: Likely benign. Review status: no assertion criteria provided. Collection method: clinical testing. Allele origin: germline. Affected: yes. Study: VKGL Data-share Consensus. Not counted in ClinVar's aggregate classification.

Clinical Genetics, Academic Medical Center
Classification: Benign. Review status: no assertion criteria provided. Collection method: clinical testing. Allele origin: germline. Affected: yes. Study: VKGL Data-share Consensus. Not counted in ClinVar's aggregate classification.

Dr. Peter K. Rogan Lab, Western University
No classification provided (evidence only). Condition: Acute myeloid leukemia. Review status: no classification provided. Collection method: in vitro. Allele origin: not applicable. Functional consequence: retained intron. Not counted in ClinVar's aggregate classification.

Dr. Peter K. Rogan Lab, Western University
No classification provided (evidence only). Condition: Cervical cancer. Review status: no classification provided. Collection method: in vitro. Allele origin: not applicable. Functional consequence: retained intron. Not counted in ClinVar's aggregate classification.

Dr. Peter K. Rogan Lab, Western University
No classification provided (evidence only). Condition: Ovarian serous cystadenocarcinoma. Review status: no classification provided. Collection method: in vitro. Allele origin: not applicable. Functional consequence: retained intron. Not counted in ClinVar's aggregate classification.

Dr. Peter K. Rogan Lab, Western University
No classification provided (evidence only). Condition: Malignant tumor of esophagus. Review status: no classification provided. Collection method: in vitro. Allele origin: not applicable. Functional consequence: retained intron. Not counted in ClinVar's aggregate classification.

Dr. Peter K. Rogan Lab, Western University
No classification provided (evidence only). Condition: Familial cancer of breast. Review status: no classification provided. Collection method: in vitro. Allele origin: not applicable. Functional consequence: retained intron. Not counted in ClinVar's aggregate classification.